The following is an entry in ClinVar:

ClinVar aggregate classification (germline): Conflicting classifications of pathogenicity. Review status: criteria provided, conflicting classifications (1 of 4 stars). 3 submissions from 3 submitters: Uncertain significance (2); Likely benign (1). Last evaluated 2023-10-23.

Conditions:
Familial thoracic aortic aneurysm and aortic dissection (TAAD). Also called: Thoracic aortic aneurysms and dissections. Identifiers: Orphanet 91387, MedGen C4707243, MONDO:0019625.
Aortic aneurysm, familial thoracic 4 (AAT4). Also called: AORTIC ANEURYSM/AORTIC DISSECTION AND PATENT DUCTUS ARTERIOSUS. Identifiers: MedGen C1851504, MONDO:0007568, OMIM 132900.

Allele frequency attached by ClinVar (database versions not stated): gnomAD exomes below 0.00001.

Submissions (3):

All of Us Research Program, National Institutes of Health
Classification: Uncertain significance for Familial thoracic aortic aneurysm and aortic dissection. Last evaluated: 2023-10-23. Review status: criteria provided, single submitter. Criteria: ACMG Guidelines, 2015. Collection method: clinical testing. Allele origin: germline. Inheritance: Autosomal dominant inheritance. Observed: 1 variant allele, 1 heterozygote.
Comment: This variant inserts 1 nucleotide in exon 42 of the MYH11 gene, creating a frameshift and premature translation stop signal. This variant is expected to result in an absent or non-functional protein product. To our knowledge, this variant has not been reported in individuals affected with MYH11-related disorders in the literature. This variant has not been identified in the general population by the Genome Aggregation Database (gnomAD). * Clinical relevance of loss-of-function MYH11 truncation variants in autosomal dominant cardiovascular disorders is not clearly established. The available evidence is insufficient to determine the role of this variant in disease conclusively. Therefore, this variant is classified as a Variant of Uncertain Significance.

This study involves interpretation of variants in research participants for the purpose of population health screening. Participant phenotype was not available at the time of variant classification. Additional details can be found in publication PMID: 35346344, PMCID: PMC8962531

Color Diagnostics, LLC DBA Color Health
Classification: Uncertain significance for Familial thoracic aortic aneurysm and aortic dissection. Last evaluated: 2023-09-22. Review status: criteria provided, single submitter. Criteria: ACMG Guidelines, 2015. Collection method: clinical testing. Allele origin: germline.
Comment: This variant inserts 1 nucleotide in exon 42 of the MYH11 gene, creating a frameshift and premature translation stop signal. This variant is expected to result in an absent or non-functional protein product. To our knowledge, this variant has not been reported in individuals affected with MYH11-related disorders in the literature. This variant has not been identified in the general population by the Genome Aggregation Database (gnomAD). * Clinical relevance of loss-of-function MYH11 truncation variants in autosomal dominant cardiovascular disorders is not clearly established. The available evidence is insufficient to determine the role of this variant in disease conclusively. Therefore, this variant is classified as a Variant of Uncertain Significance.

Labcorp Genetics (formerly Invitae), Labcorp
Classification: Likely benign for Aortic aneurysm, familial thoracic 4. Last evaluated: 2022-08-16. Review status: criteria provided, single submitter. Criteria: Invitae Variant Classification Sherloc (09022015). Collection method: clinical testing. Allele origin: germline.

NM_001040113.2(MYH11):c.5820dup (p.Gln1941fs)

Genes: NDE1 (nudE neurodevelopment protein 1; plus strand), MYH11 (myosin heavy chain 11; minus strand). Cytogenetic location: 16p13.11.
Variant type: Duplication.
Coding change: c.5820dup on transcript NM_001040113.2 (MANE Plus Clinical); coding-DNA position 5820, one base duplicated (A; older notation c.5820dupA).
Protein change: p.Gln1941fs; shifts the reading frame from glutamine 1941.
Molecular consequence: frameshift variant. On other transcripts: intron variant (4).
Genome position (GRCh38, 1-based): chr16:15,708,829, T duplicated on the plus strand (A on the coding strand, the reverse complement: MYH11 is on the minus strand). VCF-style (leftmost placement, unchanged base first): chr16-15708828-G-GT. GRCh37 (hg19) VCF-style: chr16-15802685-G-GT.
Other names: c.5799dup, p.Gln1934fs (NM_022844.3); c.947+11969dup (NM_001143979.2, NM_017668.3); c.5787-4706dup (NM_002474.3); c.5808-4706dup (NM_001040114.2); short protein forms Q1934fs, Q1941fs.
Identifiers: ClinVar variation 1012101 (VCV001012101.10), dbSNP rs2039612615, ClinGen allele CA2209912511.